The following is an entry in ClinVar:

ClinVar aggregate classification (germline): Uncertain significance (1 of 4 stars; one submission).

Conditions:
Leber congenital amaurosis 12 (LCA12). Identifiers: Orphanet 65, MedGen C1857743, MONDO:0012525, OMIM 610612.

Allele frequency attached by ClinVar (database versions not stated): gnomAD 0.00001; TOPMed 0.00001; gnomAD exomes 0.00002; ExAC 0.00003.
gnomAD v4.1: 8 of 1,614,114 alleles (0.0005%); highest among the groups gnomAD compares: Middle Eastern, 0.016%; no homozygotes.

Submission:

Labcorp Genetics (formerly Invitae), Labcorp
Classification: Uncertain significance for Leber congenital amaurosis 12. Last evaluated: 2022-08-16. Review status: criteria provided, single submitter. Criteria: Invitae Variant Classification Sherloc (09022015). Collection method: clinical testing. Allele origin: germline.
Comment: In summary, the available evidence is currently insufficient to determine the role of this variant in disease. Therefore, it has been classified as a Variant of Uncertain Significance. This sequence change replaces arginine, which is basic and polar, with glutamine, which is neutral and polar, at codon 68 of the RD3 protein (p.Arg68Gln). This variant is present in population databases (rs777789102, gnomAD 0.02%). This variant has not been reported in the literature in individuals affected with RD3-related conditions. ClinVar contains an entry for this variant (Variation ID: 1036152). Algorithms developed to predict the effect of missense changes on protein structure and function output the following: SIFT: "Deleterious"; PolyPhen-2: "Benign"; Align-GVGD: "Class C0". The glutamine amino acid residue is found in multiple mammalian species, which suggests that this missense change does not adversely affect protein function.

NM_001164688.2(RD3):c.203G>A (p.Arg68Gln)

Gene: RD3 (RD3 regulator of GUCY2D; minus strand). Cytogenetic location: 1q32.3.
Variant type: single nucleotide variant.
Coding change: c.203G>A on transcript NM_001164688.2 (MANE Select); coding-DNA position 203, G replaced by A.
Protein change: p.Arg68Gln; replaces arginine 68 with glutamine.
Molecular consequence: missense variant.
Genome position (GRCh38, 1-based): chr1:211,481,213, C>T on the plus strand (G>A on the coding strand, the complement: RD3 is on the minus strand). VCF-style: chr1-211481213-C-T. GRCh37 (hg19) VCF-style: chr1-211654555-C-T.
Other names: c.203G>A, p.Arg68Gln (NM_183059.3); short protein forms R68Q.
Identifiers: ClinVar variation 1036152 (VCV001036152.8), dbSNP rs777789102, ClinGen allele CA1381124.